The following is an entry in ClinVar:

ClinVar aggregate classification (germline): Likely pathogenic (1 of 4 stars; one submission).

Submission:

GeneDx
Classification: Likely pathogenic. Last evaluated: 2025-09-30. Review status: criteria provided, single submitter. Criteria: GeneDx Variant Classification Process June 2021. Collection method: clinical testing. Allele origin: germline. Affected: yes.
Comment: Not observed at significant frequency in large population cohorts (gnomAD); RNA studies demonstrate a damaging effect: aberrant exon 8 skipping in a majority of sequenced reads and increased intron 7 inclusion (testing completed at Labcorp); In silico analysis supports a deleterious effect on splicing; Has not been previously published as pathogenic or benign to our knowledge

NM_013254.4(TBK1):c.813-12A>G

Gene: TBK1 (TANK binding kinase 1; plus strand). Cytogenetic location: 12q14.2.
Variant type: single nucleotide variant.
Coding change: c.813-12A>G on transcript NM_013254.4 (MANE Select); 12 bases into the intron before coding-DNA position 813, A replaced by G.
Molecular consequence: intron variant.
Genome position (GRCh38, 1-based): chr12:64,481,830, A>G. VCF-style: chr12-64481830-A-G. GRCh37 (hg19) VCF-style: chr12-64875610-A-G.
Other names: c.813-12A>G (LRG_1306t1).
Identifiers: ClinVar variation 489075 (VCV000489075.4), dbSNP rs1555204095, ClinGen allele CA658683790.